The following is an entry in ClinVar:

ClinVar aggregate classification (germline): Likely benign. Review status: criteria provided, multiple submitters, no conflicts (2 of 4 stars). 2 submissions from 2 submitters: Likely benign (2). Last evaluated 2025-08-03.

Conditions:
PTCH1-related disorder. Also called: PTCH1-related disorders; PTCH1-related condition.
Gorlin syndrome. Also called: Nevoid Basal Cell Carcinoma Syndrome; Basal cell nevus syndrome. Identifiers: Orphanet 377, MedGen C0004779, MONDO:0007187.

Submissions (2):

Labcorp Genetics (formerly Invitae), Labcorp
Classification: Likely benign for Gorlin syndrome. Last evaluated: 2025-08-03. Review status: criteria provided, single submitter. Criteria: Invitae Variant Classification Sherloc (09022015). Collection method: clinical testing. Allele origin: germline.

PreventionGenetics, part of Exact Sciences
Classification: Likely benign for PTCH1-related condition. Last evaluated: 2024-11-21. Review status: criteria provided, single submitter. Criteria: ACMG Guidelines, 2015. Collection method: clinical testing. Allele origin: germline.
Comment: This variant is classified as likely benign based on ACMG/AMP sequence variant interpretation guidelines (Richards et al. 2015 PMID: 25741868, with internal and published modifications).

NM_000264.5(PTCH1):c.655-9C>T

Gene: PTCH1 (patched 1; minus strand). Cytogenetic location: 9q22.32.
Variant type: single nucleotide variant.
Coding change: c.655-9C>T on transcript NM_000264.5 (MANE Select); 9 bases into the intron before coding-DNA position 655, C replaced by T.
Molecular consequence: intron variant.
Genome position (GRCh38, 1-based): chr9:95,482,049, G>A on the plus strand (C>T on the coding strand, the complement: PTCH1 is on the minus strand). VCF-style: chr9-95482049-G-A. GRCh37 (hg19) VCF-style: chr9-98244331-G-A.
Other names: c.652-9C>T (NM_001083603.3); c.457-9C>T (NM_001083602.3, NM_001354919.2); c.655-9C>T (NM_001354918.2, NM_000264.3); c.202-9C>T (NM_001083605.3, NM_001083604.3, NM_001083606.3 and 1 more transcripts).
Identifiers: ClinVar variation 4697044 (VCV004697044.2).